The following is an entry in ClinVar:

ClinVar aggregate classification (germline): Uncertain significance (1 of 4 stars; one submission).

Conditions:
Charcot-Marie-Tooth disease type 2. Also called: Charcot-Marie-Tooth type 2. Identifiers: Orphanet 64746, MedGen C0270914, MONDO:0018993.

Allele frequency attached by ClinVar (database versions not stated): gnomAD exomes below 0.00001.
gnomAD v4.1: 3 of 1,614,144 alleles (0.00019%); highest among the groups gnomAD compares: Non-Finnish European, 0.00025%; no homozygotes.

Submission:

Labcorp Genetics (formerly Invitae), Labcorp
Classification: Uncertain significance for Charcot-Marie-Tooth disease type 2. Last evaluated: 2023-09-21. Review status: criteria provided, single submitter. Criteria: Invitae Variant Classification Sherloc (09022015). Collection method: clinical testing. Allele origin: germline.
Comment: This sequence change replaces asparagine, which is neutral and polar, with aspartic acid, which is acidic and polar, at codon 21 of the AARS protein (p.Asn21Asp). This variant is not present in population databases (gnomAD no frequency). This variant has not been reported in the literature in individuals affected with AARS-related conditions. Advanced modeling of protein sequence and biophysical properties (such as structural, functional, and spatial information, amino acid conservation, physicochemical variation, residue mobility, and thermodynamic stability) performed at Invitae indicates that this missense variant is not expected to disrupt AARS protein function. In summary, the available evidence is currently insufficient to determine the role of this variant in disease. Therefore, it has been classified as a Variant of Uncertain Significance.

NM_001605.3(AARS1):c.61A>G (p.Asn21Asp)

Gene: AARS1 (alanyl-tRNA synthetase 1; minus strand). Cytogenetic location: 16q22.1.
Variant type: single nucleotide variant.
Coding change: c.61A>G on transcript NM_001605.3 (MANE Select); coding-DNA position 61, A replaced by G.
Protein change: p.Asn21Asp; replaces asparagine 21 with aspartic acid.
Molecular consequence: missense variant.
Genome position (GRCh38, 1-based): chr16:70,282,703, T>C on the plus strand (A>G on the coding strand, the complement: AARS1 is on the minus strand). VCF-style: chr16-70282703-T-C. GRCh37 (hg19) VCF-style: chr16-70316606-T-C.
Other names: short protein forms N21D.
Identifiers: ClinVar variation 2809723 (VCV002809723.3), dbSNP rs2507037640, ClinGen allele CA396570585.